The following is an entry in ClinVar:

ClinVar aggregate classification (germline): Uncertain significance (1 of 4 stars; one submission).

Allele frequency attached by ClinVar (database versions not stated): gnomAD exomes below 0.00001; gnomAD 0.00002; TOPMed 0.00002.

Submission:

Labcorp Genetics (formerly Invitae), Labcorp
Classification: Uncertain significance. Last evaluated: 2025-11-01. Review status: criteria provided, single submitter. Criteria: Invitae Variant Classification Sherloc (09022015). Collection method: clinical testing. Allele origin: germline.
Comment: This sequence change replaces isoleucine, which is neutral and non-polar, with valine, which is neutral and non-polar, at codon 331 of the C3 protein (p.Ile331Val). This variant is present in population databases (no rsID available, gnomAD 0.0009%). This variant has not been reported in the literature in individuals affected with C3-related conditions. ClinVar contains an entry for this variant (Variation ID: 1508722). Invitae Evidence Modeling of protein sequence and biophysical properties (such as structural, functional, and spatial information, amino acid conservation, physicochemical variation, residue mobility, and thermodynamic stability) indicates that this missense variant is not expected to disrupt C3 protein function with a negative predictive value of 80%. In summary, the available evidence is currently insufficient to determine the role of this variant in disease. Therefore, it has been classified as a Variant of Uncertain Significance.

NM_000064.4(C3):c.991A>G (p.Ile331Val)

Gene: C3 (complement C3; minus strand). Cytogenetic location: 19p13.3.
Variant type: single nucleotide variant.
Coding change: c.991A>G on transcript NM_000064.4 (MANE Select); coding-DNA position 991, A replaced by G.
Protein change: p.Ile331Val; replaces isoleucine 331 with valine.
Molecular consequence: missense variant.
Genome position (GRCh38, 1-based): chr19:6,713,201, T>C on the plus strand (A>G on the coding strand, the complement: C3 is on the minus strand). VCF-style: chr19-6713201-T-C. GRCh37 (hg19) VCF-style: chr19-6713212-T-C.
Other names: short protein forms I331V.
Identifiers: ClinVar variation 1508722 (VCV001508722.6), dbSNP rs1327846502, ClinGen allele CA403642072.